The following is an entry in ClinVar:

NM_015425.6(POLR1A):c.3155A>G (p.His1052Arg)

Gene: POLR1A (RNA polymerase I subunit A; minus strand). Cytogenetic location: 2p11.2.
Variant type: single nucleotide variant.
Coding change: c.3155A>G on transcript NM_015425.6 (MANE Select); coding-DNA position 3155, A replaced by G.
Protein change: p.His1052Arg; replaces histidine 1052 with arginine.
Molecular consequence: missense variant.
Genome position (GRCh38, 1-based): chr2:86,043,176, T>C on the plus strand (A>G on the coding strand, the complement: POLR1A is on the minus strand). VCF-style: chr2-86043176-T-C. GRCh37 (hg19) VCF-style: chr2-86270299-T-C.
Other names: short protein forms H1052R.
Identifiers: ClinVar variation 4737587 (VCV004737587.1).

ClinVar aggregate classification (germline): Uncertain significance (1 of 4 stars; one submission).

Submission:

Labcorp Genetics (formerly Invitae), Labcorp
Classification: Uncertain significance. Last evaluated: 2025-09-09. Review status: criteria provided, single submitter. Criteria: Invitae Variant Classification Sherloc (09022015). Collection method: clinical testing. Allele origin: germline.
Comment: This sequence change replaces histidine, which is basic and polar, with arginine, which is basic and polar, at codon 1052 of the POLR1A protein (p.His1052Arg). This variant is not present in population databases (gnomAD no frequency). This variant has not been reported in the literature in individuals affected with POLR1A-related conditions. Invitae Evidence Modeling of protein sequence and biophysical properties (such as structural, functional, and spatial information, amino acid conservation, physicochemical variation, residue mobility, and thermodynamic stability) indicates that this missense variant is not expected to disrupt POLR1A protein function with a negative predictive value of 80%. In summary, the available evidence is currently insufficient to determine the role of this variant in disease. Therefore, it has been classified as a Variant of Uncertain Significance.